The following is an entry in ClinVar:

NM_020921.4(NIN):c.2590G>A (p.Glu864Lys)

Gene: NIN (ninein; minus strand). Cytogenetic location: 14q22.1.
Variant type: single nucleotide variant.
Coding change: c.2590G>A on transcript NM_020921.4 (MANE Select); coding-DNA position 2590, G replaced by A.
Protein change: p.Glu864Lys; replaces glutamic acid 864 with lysine.
Molecular consequence: missense variant. On other transcripts: intron variant (1).
Genome position (GRCh38, 1-based): chr14:50,758,440, C>T on the plus strand (G>A on the coding strand, the complement: NIN is on the minus strand). VCF-style: chr14-50758440-C-T. GRCh37 (hg19) VCF-style: chr14-51225158-C-T.
Other names: c.2590G>A, p.Glu864Lys (NM_182944.3, NM_182946.2); c.2399+1417G>A (NM_016350.5); short protein forms E864K.
Identifiers: ClinVar variation 2185222 (VCV002185222.4), dbSNP rs184108916, ClinGen allele CA7181906.

ClinVar aggregate classification (germline): Uncertain significance (1 of 4 stars; one submission).

Allele frequency attached by ClinVar (database versions not stated): gnomAD 0.00001; ESP Exome Variant Server 0.00008; 1000 Genomes Project 0.00020; ExAC 0.00028; 1000 Genomes Project 30x 0.00031.
gnomAD v4.1: 99 of 1,614,110 alleles (0.0061%); highest among the groups gnomAD compares: Admixed American, 0.11%; no homozygotes.

Submission:

Labcorp Genetics (formerly Invitae), Labcorp
Classification: Uncertain significance. Last evaluated: 2025-12-18. Review status: criteria provided, single submitter. Criteria: Invitae Variant Classification Sherloc (09022015). Collection method: clinical testing. Allele origin: germline.
Comment: This sequence change replaces glutamic acid, which is acidic and polar, with lysine, which is basic and polar, at codon 864 of the NIN protein (p.Glu864Lys). This variant is present in population databases (rs184108916, gnomAD 0.2%), and has an allele count higher than expected for a pathogenic variant. This variant has not been reported in the literature in individuals affected with NIN-related conditions. ClinVar contains an entry for this variant (Variation ID: 2185222). An algorithm developed to predict the effect of missense changes on protein structure and function (PolyPhen-2) suggests that this variant is likely to be disruptive. In summary, the available evidence is currently insufficient to determine the role of this variant in disease. Therefore, it has been classified as a Variant of Uncertain Significance.